The following is an entry in ClinVar:

ClinVar aggregate classification (germline): Uncertain significance (1 of 4 stars; one submission).

Submission:

GeneDx
Classification: Uncertain significance. Last evaluated: 2022-12-08. Review status: criteria provided, single submitter. Criteria: GeneDx Variant Classification Process June 2021. Collection method: clinical testing. Allele origin: germline. Affected: yes.
Comment: Not observed at significant frequency in large population cohorts (gnomAD); In silico analysis supports that this missense variant has a deleterious effect on protein structure/function; Has not been previously published as pathogenic or benign to our knowledge

NM_003336.4(UBE2A):c.159T>G (p.Phe53Leu)

Gene: UBE2A (ubiquitin conjugating enzyme E2 A; plus strand). Cytogenetic location: Xq24.
Variant type: single nucleotide variant.
Coding change: c.159T>G on transcript NM_003336.4 (MANE Select); coding-DNA position 159, T replaced by G.
Protein change: p.Phe53Leu; replaces phenylalanine 53 with leucine.
Molecular consequence: missense variant. On other transcripts: intron variant (1).
Genome position (GRCh38, 1-based): chrX:119,581,514, T>G. VCF-style: chrX-119581514-T-G. GRCh37 (hg19) VCF-style: chrX-118715477-T-G.
Other names: c.60T>G, p.Phe20Leu (NM_001282161.2); c.152-1074T>G (NM_181762.3); short protein forms F20L, F53L.
Identifiers: ClinVar variation 2504868 (VCV002504868.1), dbSNP rs2520649489, ClinGen allele CA414375411.
Genomic context (GRCh38, chrX:119,581,514, plus strand): 5'-TACTGAACAAAGTGATAAATACATTTTCTTAAATCTTTCTTTTCTAACCACAGGAACATT[T>G]AAACTTACAATAGAATTCACTGAAGAATATCCAAATAAACCACCTACAGTTAGATTTGTC-3'
Protein context (NP_003327.2, residues 43-63): PEGTPFEDGT[Phe53Leu]KLTIEFTEEY